The following is an entry in ClinVar:

NM_052947.4(ALPK2):c.5207C>T (p.Ala1736Val)

Genes: ALPK2 (alpha kinase 2; minus strand), LOC130062577 (ATAC-STARR-seq lymphoblastoid active region 13389; plus strand). Cytogenetic location: 18q21.31.
Variant type: single nucleotide variant.
Coding change: c.5207C>T on transcript NM_052947.4 (MANE Select); coding-DNA position 5207, C replaced by T.
Protein change: p.Ala1736Val; replaces alanine 1736 with valine.
Molecular consequence: missense variant.
Genome position (GRCh38, 1-based): chr18:58,534,980, G>A on the plus strand (C>T on the coding strand, the complement: ALPK2 is on the minus strand). VCF-style: chr18-58534980-G-A. GRCh37 (hg19) VCF-style: chr18-56202212-G-A.
Other names: short protein forms A1736V.
Identifiers: ClinVar variation 1746074 (VCV001746074.3), dbSNP rs2518873293, ClinGen allele CA402557552.

ClinVar aggregate classification (germline): Uncertain significance (1 of 4 stars; one submission).

Submission:

Ambry Genetics
Classification: Uncertain significance. Last evaluated: 2024-07-09. Review status: criteria provided, single submitter. Criteria: Ambry Variant Classification Scheme 2023. Collection method: clinical testing. Allele origin: germline.
Comment: The p.A1736V variant (also known as c.5207C>T), located in coding exon 4 of the ALPK2 gene, results from a C to T substitution at nucleotide position 5207. The alanine at codon 1736 is replaced by valine, an amino acid with similar properties. This amino acid position is conserved. In addition, this alteration is predicted to be tolerated by in silico analysis. Since supporting evidence is limited at this time, the clinical significance of this alteration remains unclear.